The following is an entry in ClinVar:

NM_001297.5(CNGB1):c.1612T>G (p.Trp538Gly)

Gene: CNGB1 (cyclic nucleotide gated channel subunit beta 1; minus strand). Cytogenetic location: 16q21.
Variant type: single nucleotide variant.
Coding change: c.1612T>G on transcript NM_001297.5 (MANE Select); coding-DNA position 1612, T replaced by G.
Protein change: p.Trp538Gly; replaces tryptophan 538 with glycine.
Molecular consequence: missense variant.
Genome position (GRCh38, 1-based): chr16:57,923,304, A>C on the plus strand (T>G on the coding strand, the complement: CNGB1 is on the minus strand). VCF-style: chr16-57923304-A-C. GRCh37 (hg19) VCF-style: chr16-57957208-A-C.
Other names: c.1594T>G, p.Trp532Gly (NM_001286130.2); short protein forms W532G, W538G.
Identifiers: ClinVar variation 1496501 (VCV001496501.9), dbSNP rs766409469, ClinGen allele CA8083381.

ClinVar aggregate classification (germline): Uncertain significance. Review status: criteria provided, multiple submitters, no conflicts (2 of 4 stars). 2 submissions from 2 submitters: Uncertain significance (2). Last evaluated 2025-04-14.

Allele frequency attached by ClinVar (database versions not stated): gnomAD 0.00001; gnomAD exomes 0.00001; TOPMed 0.00002; ExAC 0.00003.

Submissions (2):

Labcorp Genetics (formerly Invitae), Labcorp
Classification: Uncertain significance. Last evaluated: 2025-04-14. Review status: criteria provided, single submitter. Criteria: Invitae Variant Classification Sherloc (09022015). Collection method: clinical testing. Allele origin: germline.
Comment: This sequence change replaces tryptophan, which is neutral and slightly polar, with glycine, which is neutral and non-polar, at codon 538 of the CNGB1 protein (p.Trp538Gly). This variant is present in population databases (rs766409469, gnomAD 0.02%). This missense change has been observed in individual(s) with clinical features of inherited retinal dystrophy (PMID: 31054281). ClinVar contains an entry for this variant (Variation ID: 1496501). Invitae Evidence Modeling of protein sequence and biophysical properties (such as structural, functional, and spatial information, amino acid conservation, physicochemical variation, residue mobility, and thermodynamic stability) indicates that this missense variant is not expected to disrupt CNGB1 protein function with a negative predictive value of 80%. In summary, the available evidence is currently insufficient to determine the role of this variant in disease. Therefore, it has been classified as a Variant of Uncertain Significance.

Blueprint Genetics
Classification: Uncertain significance. Last evaluated: 2019-07-03. Review status: criteria provided, single submitter. Criteria: ACMG Guidelines, 2015. Collection method: clinical testing. Allele origin: germline.

Literature cited by the submitters: PubMed 31054281 (cited by Labcorp Genetics (formerly Invitae), Labcorp).